The following is an entry in ClinVar:

NM_001365088.1(SLC12A6):c.*3080G>C

Gene: SLC12A6 (solute carrier family 12 member 6; minus strand). Cytogenetic location: 15q14.
Variant type: single nucleotide variant.
Coding change: c.*3080G>C on transcript NM_001365088.1 (MANE Select); 3080 bases downstream of the stop codon, G replaced by C.
Molecular consequence: 3 prime UTR variant.
Genome position (GRCh38, 1-based): chr15:34,230,801, C>G on the plus strand (G>C on the coding strand, the complement: SLC12A6 is on the minus strand). VCF-style: chr15-34230801-C-G. GRCh37 (hg19) VCF-style: chr15-34523002-C-G.
Other names: c.*3080G>C (NM_001042494.2, NM_001042495.2, NM_001042496.2 and 3 more transcripts).
Identifiers: ClinVar variation 886449 (VCV000886449.4), dbSNP rs193075132, ClinGen allele CA268650679.

ClinVar aggregate classification (germline): Likely benign (1 of 4 stars; one submission).

Conditions:
Agenesis of the corpus callosum with peripheral neuropathy (ACCPN). Also called: Hereditary Motor and Sensory Neuropathy with Agenesis of the Corpus Callosum; CHARLEVOIX DISEASE; POLYNEUROPATHY, SENSORIMOTOR, WITH OR WITHOUT AGENESIS OF THE CORPUS CALLOSUM; HMSN/ACC. Identifiers: Orphanet 1496, MedGen C0795950, MONDO:0000902, OMIM 218000. Disease mechanism: loss of function.

Allele frequency attached by ClinVar (database versions not stated): gnomAD 0.00053 and 0.00069; TOPMed 0.00087; 1000 Genomes Project 30x 0.00203; 1000 Genomes Project 0.00220.

Submission:

Illumina Laboratory Services, Illumina
Classification: Likely benign for Agenesis of the corpus callosum with peripheral neuropathy. Last evaluated: 2018-01-12. Review status: criteria provided, single submitter. Criteria: ICSL Variant Classification Criteria 13 December 2019. Collection method: clinical testing. Allele origin: germline.
Comment: This variant was observed in the ICSL laboratory as part of a predisposition screen in an ostensibly healthy population. It had not been previously curated by ICSL or reported in the Human Gene Mutation Database (HGMD: prior to June 1st, 2018), and was therefore a candidate for classification through an automated scoring system. Utilizing variant allele frequency, disease prevalence and penetrance estimates, and inheritance mode, an automated score was calculated to assess if this variant is too frequent to cause the disease. Based on the score and internal cut-off values, a variant classified as likely benign is not then subjected to further curation. The score for this variant resulted in a classification of likely benign for this disease.